The following is an entry in ClinVar:

NC_000016.9:g.(?_1248595)_(1270994_?)dup

Gene: CACNA1H (calcium voltage-gated channel subunit alpha1 H; plus strand). Cytogenetic location: 16p13.3.
Variant type: Duplication.
Identifiers: ClinVar variation 2426669 (VCV002426669.3).

ClinVar aggregate classification (germline): Uncertain significance (1 of 4 stars; one submission).

Conditions:
Hyperaldosteronism, familial, type IV (HALD4). Also called: FH IV; ALDOSTERONISM, PRIMARY, AND HYPERTENSION. Identifiers: Orphanet 642671, MedGen C4310756, MONDO:0014875, OMIM 617027.
Idiopathic generalized epilepsy. Also called: EIG; Generalised epilepsy. Identifiers: MedGen C0270850, MONDO:0005579, OMIM 600669.

Submission:

Labcorp Genetics (formerly Invitae), Labcorp
Classification: Uncertain significance for Idiopathic generalized epilepsy; Hyperaldosteronism, familial, type IV. Last evaluated: 2022-06-06. Review status: criteria provided, single submitter. Criteria: Invitae Variant Classification Sherloc (09022015). Collection method: clinical testing. Allele origin: germline.
Comment: This variant results in a copy number gain of the genomic region encompassing exon(s) 6-35 of the CACNA1H gene. This region includes the termination codon of the gene. This copy number gain extends beyond the assayed region for this gene and therefore may encompass additional genes. As the precise location of this event is unknown, it may be in tandem or it may be located elsewhere in the genome. This variant has not been reported in the literature in individuals affected with CACNA1H-related conditions. Experimental studies and prediction algorithms are not available or were not evaluated, and the functional significance of this variant is currently unknown. In summary, the available evidence is currently insufficient to determine the role of this variant in disease. Therefore, it has been classified as a Variant of Uncertain Significance.